The following is an entry in ClinVar:

ClinVar aggregate classification (germline): Uncertain significance (1 of 4 stars; one submission).

Conditions:
Cohen syndrome (COH1). Also called: PEPPER SYNDROME; Cutis verticis gyrata, retinitis pigmentosa, and sensorineural deafness. Identifiers: Orphanet 193, MedGen C0265223, MONDO:0008999, OMIM 216550.

Allele frequency attached by ClinVar (database versions not stated): gnomAD exomes below 0.00001; TOPMed below 0.00001; ExAC 0.00001.
gnomAD v4.1: 1 of 1,614,190 alleles (0.000062%); highest among the groups gnomAD compares: Non-Finnish European, 0.000085%; no homozygotes.

Submission:

Labcorp Genetics (formerly Invitae), Labcorp
Classification: Uncertain significance for Cohen syndrome. Last evaluated: 2022-06-13. Review status: criteria provided, single submitter. Criteria: Invitae Variant Classification Sherloc (09022015). Collection method: clinical testing. Allele origin: germline.
Comment: ClinVar contains an entry for this variant (Variation ID: 842465). In summary, the available evidence is currently insufficient to determine the role of this variant in disease. Therefore, it has been classified as a Variant of Uncertain Significance. Algorithms developed to predict the effect of missense changes on protein structure and function are either unavailable or do not agree on the potential impact of this missense change (SIFT: "Not Available"; PolyPhen-2: "Benign"; Align-GVGD: "Not Available"). This variant has not been reported in the literature in individuals affected with VPS13B-related conditions. This variant is present in population databases (rs762539148, gnomAD 0.0009%). This sequence change replaces histidine, which is basic and polar, with arginine, which is basic and polar, at codon 2078 of the VPS13B protein (p.His2078Arg).

NM_152564.5(VPS13B):c.6158A>G (p.His2053Arg)

Gene: VPS13B (vacuolar protein sorting 13 homolog B; plus strand). Cytogenetic location: 8q22.2.
Variant type: single nucleotide variant.
Coding change: c.6158A>G on transcript NM_152564.5 (MANE Select); coding-DNA position 6158, A replaced by G.
Protein change: p.His2053Arg; replaces histidine 2053 with arginine.
Molecular consequence: missense variant.
Genome position (GRCh38, 1-based): chr8:99,699,636, A>G. VCF-style: chr8-99699636-A-G. GRCh37 (hg19) VCF-style: chr8-100711864-A-G.
Other names: c.6233A>G, p.His2078Arg (NM_017890.5); short protein forms H2078R, H2053R.
Identifiers: ClinVar variation 842465 (VCV000842465.9), dbSNP rs762539148, ClinGen allele CA4823950.